The following is an entry in ClinVar:

ClinVar aggregate classification (germline): Benign/Likely benign. Review status: criteria provided, multiple submitters, no conflicts (2 of 4 stars). 9 submissions from 8 submitters: Benign (8); Likely benign (1). Last evaluated 2026-06-05.

Conditions:
Ectopia lentis et pupillae. Also called: ECTOPIA LENTIS WITH ECTOPIA OF PUPIL. Identifiers: Orphanet 1885, MedGen C1644196, MONDO:0009153, OMIM 225200.
Ectopia lentis 2, isolated, autosomal recessive (ECTOL2). Identifiers: Orphanet 1885, MedGen C3541474, MONDO:0009152, OMIM 225100.

Allele frequency attached by ClinVar (database versions not stated): ESP Exome Variant Server 0.35545; 1000 Genomes Project 30x 0.35572; TOPMed 0.36066; 1000 Genomes Project 0.34724.
gnomAD v4.1: 458,772 of 1,609,696 alleles (29%); highest among the groups gnomAD compares: African/African-American, 54%; 68,332 homozygotes.

Submissions (9):

Women's Health and Genetics/Laboratory Corporation of America, LabCorp
Classification: Benign. Last evaluated: 2026-06-05. Review status: criteria provided, single submitter. Criteria: LabCorp Variant Classification Summary - May 2015. Collection method: clinical testing. Allele origin: germline.

Labcorp Genetics (formerly Invitae), Labcorp
Classification: Benign. Last evaluated: 2026-02-04. Review status: criteria provided, single submitter. Criteria: Invitae Variant Classification Sherloc (09022015). Collection method: clinical testing. Allele origin: germline.

Blueprint Genetics
Classification: Likely benign. Last evaluated: 2024-11-26. Review status: criteria provided, single submitter. Criteria: ACMG Guidelines, 2015. Collection method: clinical testing. Allele origin: germline.

Genome-Nilou Lab
Classification: Benign for Ectopia lentis et pupillae. Last evaluated: 2023-04-11. Review status: criteria provided, single submitter. Criteria: ACMG Guidelines, 2015. Collection method: clinical testing. Allele origin: germline. Affected: no.

Genome-Nilou Lab
Classification: Benign for Ectopia lentis 2, isolated, autosomal recessive. Last evaluated: 2023-04-11. Review status: criteria provided, single submitter. Criteria: ACMG Guidelines, 2015. Collection method: clinical testing. Allele origin: germline. Affected: no.

GeneDx
Classification: Benign. Last evaluated: 2018-04-12. Review status: criteria provided, single submitter. Criteria: GeneDx Variant Classification (06012015). Collection method: clinical testing. Allele origin: germline. Affected: yes.
Comment: This variant is considered likely benign or benign based on one or more of the following criteria: it is a conservative change, it occurs at a poorly conserved position in the protein, it is predicted to be benign by multiple in silico algorithms, and/or has population frequency not consistent with disease.

Illumina Laboratory Services, Illumina
Classification: Benign for Ectopia lentis 2, isolated, autosomal recessive. Last evaluated: 2018-01-13. Review status: criteria provided, single submitter. Criteria: ICSL Variant Classification Criteria 13 December 2019. Collection method: clinical testing. Allele origin: germline.
Comment: This variant was observed in the ICSL laboratory as part of a predisposition screen in an ostensibly healthy population. It had not been previously curated by ICSL or reported in the Human Gene Mutation Database (HGMD: prior to June 1st, 2018), and was therefore a candidate for classification through an automated scoring system. Utilizing variant allele frequency, disease prevalence and penetrance estimates, and inheritance mode, an automated score was calculated to assess if this variant is too frequent to cause the disease. Based on the score and internal cut-off values, a variant classified as benign is not then subjected to further curation. The score for this variant resulted in a classification of benign for this disease.

Breakthrough Genomics
Classification: Benign. Review status: criteria provided, single submitter. Criteria: ACMG Guidelines, 2015. Collection method: not provided. Allele origin: germline. Inheritance: Autosomal recessive inheritance. Affected: yes.

PreventionGenetics, part of Exact Sciences
Classification: Benign. Review status: criteria provided, single submitter. Criteria: ACMG Guidelines, 2015. Collection method: clinical testing. Allele origin: germline.

NM_019032.6(ADAMTSL4):c.939C>T (p.Gly313=)

Genes: ADAMTSL4 (ADAMTS like 4; plus strand), ADAMTSL4-AS2 (ADAMTSL4 antisense RNA 2; minus strand). Cytogenetic location: 1q21.2.
Variant type: single nucleotide variant.
Coding change: c.939C>T on transcript NM_019032.6 (MANE Select); coding-DNA position 939, C replaced by T.
Protein change: p.Gly313=; no amino-acid change (glycine 313 retained).
Molecular consequence: synonymous variant.
Genome position (GRCh38, 1-based): chr1:150,553,930, C>T. VCF-style: chr1-150553930-C-T. GRCh37 (hg19) VCF-style: chr1-150526406-C-T.
Other names: c.939C>T, p.Gly313= (NM_001288607.2, NM_001288608.2, NM_001378596.1 and 1 more transcripts).
Identifiers: ClinVar variation 261080 (VCV000261080.18), dbSNP rs6681639, ClinGen allele CA1078072.